The following is an entry in ClinVar:

ClinVar aggregate classification (germline): no classifications from unflagged records (0 of 4 stars; one submission).

Submission:

Labcorp Genetics (formerly Invitae), Labcorp
Classification: Uncertain significance. Last evaluated: 2022-10-25. Review status: flagged submission. Criteria: Invitae Variant Classification Sherloc (09022015). Collection method: clinical testing. Allele origin: unknown.
Comment: In summary, the available evidence is currently insufficient to determine the role of this variant in disease. Therefore, it has been classified as a Variant of Uncertain Significance. This variant has not been reported in the literature in individuals affected with COX20-related conditions. A gross deletion of the genomic region encompassing the full coding sequence of the COX20 gene has been identified. The current clinical and genetic evidence is not sufficient to establish whether loss-of-function variants in COX20 cause disease. The boundaries of this event are unknown as they extend beyond the assayed region for this gene and therefore may encompass additional genes.
ClinVar note: Notes: This submission was flagged because its interpretation of this variant conflicts with the ClinGen Gene Dosage Map curation for the gene ZBTB18.
ClinVar note: Reason: Conflict with ClinGen Gene Dosage Map

NC_000001.10:g.(?_241661128)_(245027609_?)del

Genes: ADSS2 (adenylosuccinate synthase 2; minus strand), AKT3 (AKT serine/threonine kinase 3; minus strand), CATSPERE (catsper channel auxiliary subunit epsilon; plus strand), CEP170 (centrosomal protein 170; minus strand), CHML (CHM like Rab escort protein; minus strand) and 13 more. Cytogenetic location: 1q43-44.
Variant type: Deletion.
Identifiers: ClinVar variation 3248036 (VCV003248036.1).